The following is an entry in ClinVar:

ClinVar aggregate classification (germline): Likely benign (1 of 4 stars; one submission).

Submission:

CeGaT Center for Human Genetics Tuebingen
Classification: Likely benign. Last evaluated: 2024-08-01. Review status: criteria provided, single submitter. Criteria: CeGaT Center For Human Genetics Tuebingen Variant Classification Criteria Version 2. Collection method: clinical testing. Allele origin: germline. Affected: yes. Observed: 1 variant allele.
Comment: BCORL1: PM2:Supporting, BP4, BP7

NM_001379451.1(BCORL1):c.993T>A (p.Ala331=)

Gene: BCORL1 (BCL6 corepressor like 1; plus strand). Cytogenetic location: Xq26.1.
Variant type: single nucleotide variant.
Coding change: c.993T>A on transcript NM_001379451.1 (MANE Select); coding-DNA position 993, T replaced by A.
Protein change: p.Ala331=; no amino-acid change (alanine 331 retained).
Molecular consequence: synonymous variant.
Genome position (GRCh38, 1-based): chrX:130,013,765, T>A. VCF-style: chrX-130013765-T-A. GRCh37 (hg19) VCF-style: chrX-129147741-T-A.
Other names: c.993T>A, p.Ala331= (NM_001184772.3, NM_001379450.1, NM_021946.5).
Identifiers: ClinVar variation 3341996 (VCV003341996.16).
Genomic context (GRCh38, chrX:130,013,765, plus strand): 5'-TCCTCCCTTGGCTCTCATCCAGGCTCCTGTGCCCCCTTCAGCTCCGACCTTGGTTCTCGC[T>A]CCCGTCCCCACTCCGGTTCTGGCTCCCATGCCAGCATCCACGCCTCCAGCGGCCCCTGCC-3'
Protein context (NP_001366380.1, residues 321-341): VPPSAPTLVL[Ala331=]PVPTPVLAPM